The following is an entry in ClinVar:

ClinVar aggregate classification (germline): Conflicting classifications of pathogenicity. Review status: criteria provided, conflicting classifications (1 of 4 stars). 5 submissions from 5 submitters: Uncertain significance (1); Likely benign (3). 1 of the submissions does not count toward it. Last evaluated 2026-06-01.

Conditions:
Deficiency of galactokinase. Also called: GALACTOSEMIA II; Galactokinase deficiency with cataracts. Identifiers: Orphanet 352, Orphanet 79237, MedGen C0268155, MONDO:0009255, OMIM 230200.

Allele frequency attached by ClinVar (database versions not stated): 1000 Genomes Project 30x 0.00031; ESP Exome Variant Server 0.00031; gnomAD exomes 0.00031 and 0.00047; ExAC 0.00032; gnomAD 0.00037 and 0.00038; 1000 Genomes Project 0.00040; TOPMed 0.00043.
gnomAD v4.1: 750 of 1,613,880 alleles (0.046%); highest among the groups gnomAD compares: Middle Eastern, 0.083%; no homozygotes.

Submissions (5):

CeGaT Center for Human Genetics Tuebingen
Classification: Likely benign. Last evaluated: 2026-06-01. Review status: criteria provided, single submitter. Criteria: CeGaT Center For Human Genetics Tuebingen Variant Classification Criteria Version 2. Collection method: clinical testing. Allele origin: germline. Affected: yes. Observed: 2 variant alleles.
Comment: GALK1: BP4, BP7

Labcorp Genetics (formerly Invitae), Labcorp
Classification: Likely benign for Deficiency of galactokinase. Last evaluated: 2026-01-13. Review status: criteria provided, single submitter. Criteria: Invitae Variant Classification Sherloc (09022015). Collection method: clinical testing. Allele origin: germline.

Blueprint Genetics
Classification: Likely benign. Last evaluated: 2024-11-27. Review status: criteria provided, single submitter. Criteria: ACMG Guidelines, 2015. Collection method: clinical testing. Allele origin: germline.

Illumina Laboratory Services, Illumina
Classification: Uncertain significance for Deficiency of galactokinase. Last evaluated: 2018-01-13. Review status: criteria provided, single submitter. Criteria: ICSL Variant Classification Criteria 13 December 2019. Collection method: clinical testing. Allele origin: germline.

Natera, Inc.
Classification: Likely benign for Deficiency of galactokinase. Last evaluated: 2020-06-18. Review status: no assertion criteria provided. Collection method: clinical testing. Allele origin: germline. Not counted in ClinVar's aggregate classification.

NM_000154.2(GALK1):c.747G>A (p.Ala249=)

Gene: GALK1 (galactokinase 1; minus strand). Cytogenetic location: 17q25.1.
Variant type: single nucleotide variant.
Coding change: c.747G>A on transcript NM_000154.2 (MANE Select); coding-DNA position 747, G replaced by A.
Protein change: p.Ala249=; no amino-acid change (alanine 249 retained).
Molecular consequence: synonymous variant.
Genome position (GRCh38, 1-based): chr17:75,762,750, C>T on the plus strand (G>A on the coding strand, the complement: GALK1 is on the minus strand). VCF-style: chr17-75762750-C-T. GRCh37 (hg19) VCF-style: chr17-73758831-C-T.
Identifiers: ClinVar variation 767224 (VCV000767224.31), dbSNP rs140053358, ClinGen allele CA8770840.
Genomic context (GRCh38, chr17:75,762,750, plus strand): 5'-CTGGCAGTTCTCACCCTCTAGCTCTTCCAGTTGTACCTCCCGGAGGCTTTCCTTGCCCAG[C>T]GCCCGGGCCACTTCTTCACATTGGCGCCGCCGCACAGGGTACTCGCTGGAGGCCAGGGAG-3'
Protein context (NP_000145.1, residues 239-259): RRRQCEEVAR[Ala249=]LGKESLREVQ